The following is an entry in ClinVar:

ClinVar aggregate classification (germline): Uncertain significance (1 of 4 stars; one submission).

Conditions:
Hereditary cancer-predisposing syndrome. Also called: Hereditary neoplastic syndrome; Tumor predisposition; Hereditary Cancer Syndrome; Neoplastic Syndromes, Hereditary. Identifiers: Orphanet 140162, MedGen C0027672, MeSH D009386, MONDO:0015356.

Submission:

Color Diagnostics, LLC DBA Color Health
Classification: Uncertain significance for Hereditary cancer-predisposing syndrome. Last evaluated: 2023-12-05. Review status: criteria provided, single submitter. Criteria: ACMG Guidelines, 2015. Collection method: clinical testing. Allele origin: germline.
Comment: This missense variant replaces lysine with glutamic acid at codon 182 of the CDH1 protein. To our knowledge, functional studies have not been reported for this variant. This variant has not been reported in individuals affected with CDH1-related disorders in the literature. This variant has not been identified in the general population by the Genome Aggregation Database (gnomAD). The available evidence is insufficient to determine the role of this variant in disease conclusively. Therefore, this variant is classified as a Variant of Uncertain Significance.

NM_004360.5(CDH1):c.544A>G (p.Lys182Glu)

Gene: CDH1 (cadherin 1; plus strand). Cytogenetic location: 16q22.1.
Variant type: single nucleotide variant.
Coding change: c.544A>G on transcript NM_004360.5 (MANE Select); coding-DNA position 544, A replaced by G.
Protein change: p.Lys182Glu; replaces lysine 182 with glutamic acid.
Molecular consequence: missense variant. On other transcripts: 5 prime UTR variant (2).
Genome position (GRCh38, 1-based): chr16:68,808,705, A>G. VCF-style: chr16-68808705-A-G. GRCh37 (hg19) VCF-style: chr16-68842608-A-G.
Other names: c.544A>G, p.Lys182Glu (NM_001317184.2); c.-1072A>G (NM_001317185.2); c.-1276A>G (NM_001317186.2); short protein forms K182E.
Identifiers: ClinVar variation 491551 (VCV000491551.6), dbSNP rs1555515245, ClinGen allele CA396457865.